The following is an entry in ClinVar:

NM_016373.4(WWOX):c.646C>G (p.Leu216Val)

Gene: WWOX (WW domain containing oxidoreductase; plus strand). Cytogenetic location: 16q23.1.
Variant type: single nucleotide variant.
Coding change: c.646C>G on transcript NM_016373.4 (MANE Select); coding-DNA position 646, C replaced by G.
Protein change: p.Leu216Val; replaces leucine 216 with valine.
Molecular consequence: missense variant.
Genome position (GRCh38, 1-based): chr16:78,424,910, C>G. VCF-style: chr16-78424910-C-G. GRCh37 (hg19) VCF-style: chr16-78458807-C-G.
Other names: c.307C>G, p.Leu103Val (NM_001291997.2); short protein forms L216V, L103V.
Identifiers: ClinVar variation 260744 (VCV000260744.15), dbSNP rs7201683, ClinGen allele CA8183402.

ClinVar aggregate classification (germline): Benign. Review status: criteria provided, multiple submitters, no conflicts (2 of 4 stars). 9 submissions from 8 submitters: Benign (9). Last evaluated 2026-02-03.

Conditions:
Developmental and epileptic encephalopathy, 28 (DEE28). Also called: Epileptic encephalopathy, early infantile, 28. Identifiers: Orphanet 442835, MedGen C4015519, MONDO:0014533, OMIM 616211.
Autosomal recessive spinocerebellar ataxia 12. Also called: SPINOCEREBELLAR ATAXIA WITH MENTAL RETARDATION AND EPILEPSY. Identifiers: Orphanet 284282, MedGen C3280452, MONDO:0013687, OMIM 614322.
Developmental and epileptic encephalopathy, 1 (DEE1). Also called: X-linked infantile spasms; West's syndrome; Tonic spasms with clustering, arrest of psychomotor development and hypsarrhythmia on EEG; X-Linked Infantile Spasm Syndrome; OHTAHARA SYNDROME, X-LINKED; INFANTILE SPASM SYNDROME, X-LINKED 1. Identifiers: MedGen C3463992, MONDO:0010632, OMIM 308350. Disease mechanism: loss of function.

Allele frequency attached by ClinVar (database versions not stated): TOPMed 0.03928; 1000 Genomes Project 0.03934; 1000 Genomes Project 30x 0.04076; ExAC 0.01909; gnomAD 0.03551 and 0.03724; ESP Exome Variant Server 0.03875.
gnomAD v4.1: 26,457 of 1,614,110 alleles (1.6%); highest among the groups gnomAD compares: African/African-American, 10%; 534 homozygotes.

Submissions (9):

Labcorp Genetics (formerly Invitae), Labcorp
Classification: Benign for Developmental and epileptic encephalopathy, 1; Autosomal recessive spinocerebellar ataxia 12. Last evaluated: 2026-02-03. Review status: criteria provided, single submitter. Criteria: Invitae Variant Classification Sherloc (09022015). Collection method: clinical testing. Allele origin: germline.

Blueprint Genetics
Classification: Benign. Last evaluated: 2024-11-27. Review status: criteria provided, single submitter. Criteria: ACMG Guidelines, 2015. Collection method: clinical testing. Allele origin: germline.

Genome-Nilou Lab
Classification: Benign for Developmental and epileptic encephalopathy, 28. Last evaluated: 2021-12-05. Review status: criteria provided, single submitter. Criteria: ACMG Guidelines, 2015. Collection method: clinical testing. Allele origin: germline. Affected: no.

Genome-Nilou Lab
Classification: Benign for Autosomal recessive spinocerebellar ataxia 12. Last evaluated: 2021-12-05. Review status: criteria provided, single submitter. Criteria: ACMG Guidelines, 2015. Collection method: clinical testing. Allele origin: germline. Affected: no.

Mayo Clinic Laboratories, Mayo Clinic
Classification: Benign. Last evaluated: 2018-12-10. Review status: criteria provided, single submitter. Criteria: ACMG Guidelines, 2015. Collection method: clinical testing. Allele origin: germline. Observed: 27 variant alleles.

Athena Diagnostics
Classification: Benign. Last evaluated: 2017-06-26. Review status: criteria provided, single submitter. Criteria: Athena Diagnostics Criteria. Collection method: clinical testing. Allele origin: germline.

GeneDx
Classification: Benign. Last evaluated: 2016-01-19. Review status: criteria provided, single submitter. Criteria: GeneDx Variant Classification (06012015). Collection method: clinical testing. Allele origin: germline. Affected: yes.
Comment: This variant is considered likely benign or benign based on one or more of the following criteria: it is a conservative change, it occurs at a poorly conserved position in the protein, it is predicted to be benign by multiple in silico algorithms, and/or has population frequency not consistent with disease.

Breakthrough Genomics
Classification: Benign. Review status: criteria provided, single submitter. Criteria: ACMG Guidelines, 2015. Collection method: not provided. Allele origin: germline. Inheritance: Autosomal recessive inheritance. Affected: yes.

PreventionGenetics, part of Exact Sciences
Classification: Benign. Review status: criteria provided, single submitter. Criteria: ACMG Guidelines, 2015. Collection method: clinical testing. Allele origin: germline.